The following is an entry in ClinVar:

ClinVar aggregate classification (germline): Likely benign. Review status: criteria provided, single submitter (1 of 4 stars). 3 submissions from 3 submitters: Likely benign (1). 2 of the submissions do not count toward it. Last evaluated 2026-01-24.

Conditions:
PHGDH-related disorder. Also called: PHGDH-related condition.
PHGDH deficiency. Identifiers: Orphanet 79351, MedGen C1866174, MONDO:0011152, OMIM 601815.

Allele frequency attached by ClinVar (database versions not stated): ExAC 0.00005; gnomAD exomes 0.00005 and 0.00012; TOPMed 0.00007; gnomAD 0.00008 and 0.00009; ESP Exome Variant Server 0.00023.
gnomAD v4.1: 183 of 1,614,040 alleles (0.011%); highest among the groups gnomAD compares: Middle Eastern, 0.016%; no homozygotes.

Submissions (3):

Labcorp Genetics (formerly Invitae), Labcorp
Classification: Likely benign for PHGDH deficiency. Last evaluated: 2026-01-24. Review status: criteria provided, single submitter. Criteria: Invitae Variant Classification Sherloc (09022015). Collection method: clinical testing. Allele origin: germline.

Natera, Inc.
Classification: Likely benign for Phosphoglycerate dehydrogenase deficiency. Last evaluated: 2021-09-27. Review status: no assertion criteria provided. Collection method: clinical testing. Allele origin: germline. Not counted in ClinVar's aggregate classification.

PreventionGenetics, part of Exact Sciences
Classification: Likely benign for PHGDH-related condition. Last evaluated: 2019-03-05. Review status: no assertion criteria provided. Collection method: clinical testing. Allele origin: germline. Not counted in ClinVar's aggregate classification.
Comment: This variant is classified as likely benign based on ACMG/AMP sequence variant interpretation guidelines (Richards et al. 2015 PMID: 25741868, with internal and published modifications).

NM_006623.4(PHGDH):c.1560G>A (p.Ala520=)

Gene: PHGDH (phosphoglycerate dehydrogenase; plus strand). Cytogenetic location: 1p12.
Variant type: single nucleotide variant.
Coding change: c.1560G>A on transcript NM_006623.4 (MANE Select); coding-DNA position 1560, G replaced by A.
Protein change: p.Ala520=; no amino-acid change (alanine 520 retained).
Molecular consequence: synonymous variant.
Genome position (GRCh38, 1-based): chr1:119,743,998, G>A. VCF-style: chr1-119743998-G-A. GRCh37 (hg19) VCF-style: chr1-120286621-G-A.
Identifiers: ClinVar variation 725908 (VCV000725908.16), dbSNP rs145788723, ClinGen allele CA1037487.